The following is an entry in ClinVar:

NM_018060.4(IARS2):c.920A>G (p.Asn307Ser)

Gene: IARS2 (isoleucyl-tRNA synthetase 2, mitochondrial; plus strand). Cytogenetic location: 1q41.
Variant type: single nucleotide variant.
Coding change: c.920A>G on transcript NM_018060.4 (MANE Select); coding-DNA position 920, A replaced by G.
Protein change: p.Asn307Ser; replaces asparagine 307 with serine.
Molecular consequence: missense variant.
Genome position (GRCh38, 1-based): chr1:220,102,747, A>G. VCF-style: chr1-220102747-A-G. GRCh37 (hg19) VCF-style: chr1-220276089-A-G.
Other names: short protein forms N307S.
Identifiers: ClinVar variation 1964181 (VCV001964181.5), dbSNP rs1375267269, ClinGen allele CA344628099.
Genomic context (GRCh38, chr1:220,102,747, plus strand): 5'-ATGGTTCATCTCCTGTTAGTATTTTGGTCTGGACCACACAACCTTGGACGATTCCAGCCA[A>G]TGAAGCTGTTTGCTATATGCCTGAATCAAAGTGGGTATATTATTGCATTTTTTGTTTTAT-3'
Protein context (NP_060530.3, residues 297-317): WTTQPWTIPA[Asn307Ser]EAVCYMPESK

ClinVar aggregate classification (germline): Uncertain significance (1 of 4 stars; one submission).

Allele frequency attached by ClinVar (database versions not stated): gnomAD 0.00001.
gnomAD v4.1: 10 of 1,613,558 alleles (0.00062%); highest among the groups gnomAD compares: East Asian, 0.0045%; no homozygotes.

Submission:

Labcorp Genetics (formerly Invitae), Labcorp
Classification: Uncertain significance. Last evaluated: 2022-06-29. Review status: criteria provided, single submitter. Criteria: Invitae Variant Classification Sherloc (09022015). Collection method: clinical testing. Allele origin: germline.
Comment: In summary, the available evidence is currently insufficient to determine the role of this variant in disease. Therefore, it has been classified as a Variant of Uncertain Significance. Algorithms developed to predict the effect of missense changes on protein structure and function (SIFT, PolyPhen-2, Align-GVGD) all suggest that this variant is likely to be disruptive. This variant has not been reported in the literature in individuals affected with IARS2-related conditions. This variant is present in population databases (no rsID available, gnomAD 0.003%). This sequence change replaces asparagine, which is neutral and polar, with serine, which is neutral and polar, at codon 307 of the IARS2 protein (p.Asn307Ser).